The following is an entry in ClinVar:

NM_000535.7(PMS2):c.925G>A (p.Val309Ile)

Gene: PMS2 (PMS1 homolog 2, mismatch repair system component; minus strand). Cytogenetic location: 7p22.1.
Variant type: single nucleotide variant.
Coding change: c.925G>A on transcript NM_000535.7 (MANE Select); coding-DNA position 925, G replaced by A.
Protein change: p.Val309Ile; replaces valine 309 with isoleucine.
Molecular consequence: missense variant. On other transcripts: 5 prime UTR variant (2), non-coding transcript variant (1).
Genome position (GRCh38, 1-based): chr7:5,992,036, C>T on the plus strand (G>A on the coding strand, the complement: PMS2 is on the minus strand). VCF-style: chr7-5992036-C-T. GRCh37 (hg19) VCF-style: chr7-6031667-C-T.
Other names: c.520G>A, p.Val174Ile (NM_001322003.2, NM_001322004.2, NM_001322005.2 and 2 more transcripts); c.925G>A, p.Val309Ile (NM_001322006.2, NM_001322014.2); c.607G>A, p.Val203Ile (NM_001322007.2, NM_001322008.2); c.-9G>A (NM_001322011.2, NM_001322012.2); c.352G>A, p.Val118Ile (NM_001322013.2); c.616G>A, p.Val206Ile (NM_001322015.2); short protein forms V203I, V309I, V118I, V206I, V174I.
Identifiers: ClinVar variation 943931 (VCV000943931.9), dbSNP rs763718441, ClinGen allele CA366743185.

ClinVar aggregate classification (germline): Uncertain significance (1 of 4 stars; one submission).

Conditions:
Hereditary nonpolyposis colorectal neoplasms. Identifiers: MedGen C0009405, MeSH D003123.

Submission:

Labcorp Genetics (formerly Invitae), Labcorp
Classification: Uncertain significance for Hereditary nonpolyposis colorectal neoplasms. Last evaluated: 2019-06-15. Review status: criteria provided, single submitter. Criteria: Invitae Variant Classification Sherloc (09022015). Collection method: clinical testing. Allele origin: germline.
Comment: This sequence change replaces valine with isoleucine at codon 309 of the PMS2 protein (p.Val309Ile). The valine residue is highly conserved and there is a small physicochemical difference between valine and isoleucine. This variant is not present in population databases (ExAC no frequency). This variant has not been reported in the literature in individuals with PMS2-related conditions. Algorithms developed to predict the effect of missense changes on protein structure and function output the following: SIFT: "Deleterious"; PolyPhen-2: "Benign"; Align-GVGD: "Class C0". The isoleucine amino acid residue is found in multiple mammalian species, suggesting that this missense change does not adversely affect protein function. These predictions have not been confirmed by published functional studies and their clinical significance is uncertain. In summary, the available evidence is currently insufficient to determine the role of this variant in disease. Therefore, it has been classified as a Variant of Uncertain Significance.